The following is an entry in ClinVar:

ClinVar aggregate classification (germline): Uncertain significance (1 of 4 stars; one submission).

Submission:

Dasa
Classification: Uncertain significance. Last evaluated: 2024-11-14. Review status: criteria provided, single submitter. Criteria: DASA Assertion Criteria. Collection method: clinical testing. Allele origin: germline.
Comment: NM_000531.6(OTC):c.169C>G (p.Leu57Val) is a missense variant that results in the substitution of leucine with valine. The affected residue or protein region has prior evidence supporting clinical relevance. This variant is absent from population databases. Computational prediction algorithms are consistent with a deleterious effect. The currently available literature and clinical evidence are not sufficient to establish a definitive association between this variant and the reported condition. Therefore, this variant is classified as a variant of uncertain significance.

NM_000531.6(OTC):c.169C>G (p.Leu57Val)

Gene: OTC (ornithine transcarbamylase; plus strand). Cytogenetic location: Xp11.4.
Variant type: single nucleotide variant.
Coding change: c.169C>G on transcript NM_000531.6 (MANE Select); coding-DNA position 169, C replaced by G.
Protein change: p.Leu57Val; replaces leucine 57 with valine.
Molecular consequence: missense variant.
Genome position (GRCh38, 1-based): chrX:38,367,382, C>G. VCF-style: chrX-38367382-C-G. GRCh37 (hg19) VCF-style: chrX-38226635-C-G.
Other names: c.169C>G, p.Leu57Val (NM_001407092.1); short protein forms L57V.
Identifiers: ClinVar variation 4885488 (VCV004885488.2).